The following is an entry in ClinVar:

ClinVar aggregate classification (germline): Uncertain significance. Review status: criteria provided, multiple submitters, no conflicts (2 of 4 stars). 4 submissions from 4 submitters: Uncertain significance (4). Last evaluated 2025-10-12.

Conditions:
Cardiovascular phenotype. Identifiers: MedGen CN230736.
Walker-Warburg congenital muscular dystrophy. Also called: Muscular dystrophy-dystroglycanopathy, type A; Walker-Warburg syndrome. Identifiers: Orphanet 899, MedGen C0265221, MONDO:0000171.

Allele frequency attached by ClinVar (database versions not stated): gnomAD exomes 0.00002; TOPMed 0.00001.
gnomAD v4.1: 17 of 1,519,098 alleles (0.0011%); highest among the groups gnomAD compares: African/African-American, 0.0028%; no homozygotes.

Submissions (4):

Ambry Genetics
Classification: Uncertain significance for Cardiovascular phenotype. Last evaluated: 2025-10-12. Review status: criteria provided, single submitter. Criteria: Ambry Variant Classification Scheme 2023. Collection method: clinical testing. Allele origin: germline.
Comment: The p.S115L variant (also known as c.344C>T), located in coding exon 1 of the FKRP gene, results from a C to T substitution at nucleotide position 344. The serine at codon 115 is replaced by leucine, an amino acid with dissimilar properties. This alteration has been reported in a muscular dystrophy cohort (Nallamilli BRR et al. Ann Clin Transl Neurol, 2018 Dec;5:1574-1587). This amino acid position is well conserved in available vertebrate species. In addition, this alteration is predicted to be tolerated by in silico analysis. Since supporting evidence is limited at this time, the clinical significance of this alteration remains unclear.

Labcorp Genetics (formerly Invitae), Labcorp
Classification: Uncertain significance for Walker-Warburg congenital muscular dystrophy. Last evaluated: 2022-10-17. Review status: criteria provided, single submitter. Criteria: Invitae Variant Classification Sherloc (09022015). Collection method: clinical testing. Allele origin: germline.
Comment: This sequence change replaces serine, which is neutral and polar, with leucine, which is neutral and non-polar, at codon 115 of the FKRP protein (p.Ser115Leu). This variant is present in population databases (rs752018916, gnomAD 0.02%). This missense change has been observed in individual(s) with limb-girdle muscular dystrophy (PMID: 30564623). ClinVar contains an entry for this variant (Variation ID: 500235). Advanced modeling of protein sequence and biophysical properties (such as structural, functional, and spatial information, amino acid conservation, physicochemical variation, residue mobility, and thermodynamic stability) performed at Invitae indicates that this missense variant is not expected to disrupt FKRP protein function. In summary, the available evidence is currently insufficient to determine the role of this variant in disease. Therefore, it has been classified as a Variant of Uncertain Significance.

Revvity Omics, Revvity
Classification: Uncertain significance. Last evaluated: 2019-06-24. Review status: criteria provided, single submitter. Criteria: ACMG Guidelines, 2015. Collection method: clinical testing. Allele origin: germline.

Eurofins Ntd Llc (ga)
Classification: Uncertain significance. Last evaluated: 2017-02-02. Review status: criteria provided, single submitter. Criteria: EGL Classification Definitions 2015. Collection method: clinical testing. Allele origin: germline. Observed: 1 variant allele, 1 heterozygote.

Literature cited by the submitters: PubMed 30564623 (cited by Ambry Genetics and Labcorp Genetics (formerly Invitae), Labcorp).

NM_024301.5(FKRP):c.344C>T (p.Ser115Leu)

Gene: FKRP (fukutin related protein; plus strand). Cytogenetic location: 19q13.32.
Variant type: single nucleotide variant.
Coding change: c.344C>T on transcript NM_024301.5 (MANE Select); coding-DNA position 344, C replaced by T.
Protein change: p.Ser115Leu; replaces serine 115 with leucine.
Molecular consequence: missense variant.
Genome position (GRCh38, 1-based): chr19:46,755,794, C>T. VCF-style: chr19-46755794-C-T. GRCh37 (hg19) VCF-style: chr19-47259051-C-T.
Other names: c.344C>T, p.Ser115Leu (NM_001039885.3); c.344C>T (NM_024301.4); short protein forms S115L.
Identifiers: ClinVar variation 500235 (VCV000500235.13), dbSNP rs752018916, ClinGen allele CA9532145.
Genomic context (GRCh38, chr19:46,755,794, plus strand): 5'-GCATCCCCAACGTGCGTCTGGCGCTGCTCCAGCCCGCCCTGGACCGGCCAGCCGCAGCCT[C>T]GCGCCCGGAGACCTACGTGGCCACCGAGTTTGTGGCCCTAGTACCTGATGGGGCGCGGGC-3'
Protein context (NP_077277.1, residues 105-125): QPALDRPAAA[Ser115Leu]RPETYVATEF